The following is an entry in ClinVar:

ClinVar aggregate classification (germline): Uncertain significance. Review status: criteria provided, multiple submitters, no conflicts (2 of 4 stars). 3 submissions from 3 submitters: Uncertain significance (3). Last evaluated 2025-05-21.

Conditions:
EYS-related disorder. Also called: EYS-related condition.

Allele frequency attached by ClinVar (database versions not stated): ExAC 0.00001; gnomAD exomes 0.00001; TOPMed 0.00002.
gnomAD v4.1: 3 of 1,614,048 alleles (0.00019%); highest among the groups gnomAD compares: Non-Finnish European, 0.00025%; no homozygotes.

Submissions (3):

PreventionGenetics, part of Exact Sciences
Classification: Uncertain significance for EYS-related condition. Last evaluated: 2025-05-21. Review status: criteria provided, single submitter. Criteria: ACMG Guidelines, 2015. Collection method: clinical testing. Allele origin: germline.
Comment: The EYS c.491G>A variant is predicted to result in the amino acid substitution p.Arg164Gln. To our knowledge, this variant has not been reported in the literature. This variant is present in 0.0018% of alleles in individuals of European (Non-Finnish) descent in gnomAD. At this time, the clinical significance of this variant is uncertain due to the absence of conclusive functional and genetic evidence.

Labcorp Genetics (formerly Invitae), Labcorp
Classification: Uncertain significance. Last evaluated: 2025-03-17. Review status: criteria provided, single submitter. Criteria: Invitae Variant Classification Sherloc (09022015). Collection method: clinical testing. Allele origin: germline.
Comment: This sequence change replaces arginine, which is basic and polar, with glutamine, which is neutral and polar, at codon 164 of the EYS protein (p.Arg164Gln). This variant is present in population databases (rs755752918, gnomAD 0.002%). This missense change has been observed in individual(s) with retinitis pigmentosa (internal data). ClinVar contains an entry for this variant (Variation ID: 867031). An algorithm developed to predict the effect of missense changes on protein structure and function outputs the following: PolyPhen-2: "Probably Damaging". The glutamine amino acid residue is found in multiple mammalian species, which suggests that this missense change does not adversely affect protein function. In summary, the available evidence is currently insufficient to determine the role of this variant in disease. Therefore, it has been classified as a Variant of Uncertain Significance.

Blueprint Genetics
Classification: Uncertain significance. Last evaluated: 2018-11-16. Review status: criteria provided, single submitter. Criteria: ACMG Guidelines, 2015. Collection method: clinical testing. Allele origin: germline.

NM_001142800.2(EYS):c.491G>A (p.Arg164Gln)

Gene: EYS (EGF-like photoreceptor maintenance factor; minus strand). Cytogenetic location: 6q12.
Variant type: single nucleotide variant.
Coding change: c.491G>A on transcript NM_001142800.2 (MANE Select); coding-DNA position 491, G replaced by A.
Protein change: p.Arg164Gln; replaces arginine 164 with glutamine.
Molecular consequence: missense variant.
Genome position (GRCh38, 1-based): chr6:65,494,920, C>T on the plus strand (G>A on the coding strand, the complement: EYS is on the minus strand). VCF-style: chr6-65494920-C-T. GRCh37 (hg19) VCF-style: chr6-66204813-C-T.
Other names: c.491G>A, p.Arg164Gln (NM_001142801.2, NM_001292009.2, NM_198283.2); short protein forms R164Q.
Identifiers: ClinVar variation 867031 (VCV000867031.6), dbSNP rs755752918, ClinGen allele CA3878063.
Genomic context (GRCh38, chr6:65,494,920, plus strand): 5'-GAGCAAAATTCTGAACTCAGAGATTCCTGGCAGAACTGCTGTTTCACTGTCACATTTAGT[C>T]GAAGTCCCAGTGGACAAGGTGATGGACCACTTGCCATAACTGTGATAAAATAATGTGTCC-3'
Protein context (NP_001136272.1, residues 154-174): SGPSPCPLGL[Arg164Gln]LNVTVKQQFC